The following is an entry in ClinVar:

ClinVar aggregate classification (germline): Uncertain significance (1 of 4 stars; one submission).

Conditions:
Hypertrophic cardiomyopathy 26. Also called: Cardiomyopathy, familial hypertrophic, 26. Identifiers: Orphanet 75249, MedGen C4310749, MONDO:0014883, OMIM 617047.
Myofibrillar myopathy 5. Also called: Filaminopathy (type); FILAMINOPATHY, AUTOSOMAL DOMINANT. Identifiers: Orphanet 171445, MedGen C1836050, MONDO:0012289, OMIM 609524.
Distal myopathy with posterior leg and anterior hand involvement. Also called: WILLIAMS DISTAL MYOPATHY. Identifiers: Orphanet 63273, MedGen C3279722, MONDO:0013550, OMIM 614065.

gnomAD v4.1: 3 of 1,609,368 alleles (0.00019%); highest among the groups gnomAD compares: Admixed American, 0.0033%; no homozygotes.

Submission:

Labcorp Genetics (formerly Invitae), Labcorp
Classification: Uncertain significance for Distal myopathy with posterior leg and anterior hand involvement; Myofibrillar myopathy 5; Hypertrophic cardiomyopathy 26. Last evaluated: 2025-05-17. Review status: criteria provided, single submitter. Criteria: Invitae Variant Classification Sherloc (09022015). Collection method: clinical testing. Allele origin: germline.
Comment: This sequence change replaces glycine, which is neutral and non-polar, with glutamic acid, which is acidic and polar, at codon 2232 of the FLNC protein (p.Gly2232Glu). This variant is present in population databases (no rsID available, gnomAD 0.003%). This variant has not been reported in the literature in individuals affected with FLNC-related conditions. An algorithm developed to predict the effect of missense changes on protein structure and function (PolyPhen-2) suggests that this variant is likely to be tolerated. In summary, the available evidence is currently insufficient to determine the role of this variant in disease. Therefore, it has been classified as a Variant of Uncertain Significance.

NM_001458.5(FLNC):c.6695G>A (p.Gly2232Glu)

Genes: FLNC-AS1 (FLNC antisense RNA 1; minus strand), FLNC (filamin C; plus strand). Cytogenetic location: 7q32.1.
Variant type: single nucleotide variant.
Coding change: c.6695G>A on transcript NM_001458.5 (MANE Select); coding-DNA position 6695, G replaced by A.
Protein change: p.Gly2232Glu; replaces glycine 2232 with glutamic acid.
Molecular consequence: missense variant.
Genome position (GRCh38, 1-based): chr7:128,854,184, G>A. VCF-style: chr7-128854184-G-A. GRCh37 (hg19) VCF-style: chr7-128494238-G-A.
Other names: c.6596G>A, p.Gly2199Glu (NM_001127487.2); short protein forms G2199E, G2232E.
Identifiers: ClinVar variation 4812710 (VCV004812710.1).
Genomic context (GRCh38, chr7:128,854,184, plus strand): 5'-AGGTCGGCGGGGACCCCTTCCCTGCTGTGTTTGGGGACTTCCTGGGCCGGGAGCGCCTGG[G>A]ATCCTTCGGCAGCATCACCCGGCAGCAGGAGGGTGAGCACCGCACACTGGGCCGGCCGGG-3'
Protein context (NP_001449.3, residues 2222-2242): FGDFLGRERL[Gly2232Glu]SFGSITRQQE